The following is an entry in ClinVar:

ClinVar aggregate classification (germline): Likely pathogenic (1 of 4 stars; one submission).

Conditions:
LAMB2-related infantile-onset nephrotic syndrome. Also called: Nephrotic Syndrome, type 5; NEPHROTIC SYNDROME, TYPE 5, WITHOUT OCULAR ABNORMALITIES; NEPHROTIC SYNDROME, TYPE 5, WITH OCULAR ABNORMALITIES. Identifiers: Orphanet 306507, MedGen C3280113, MONDO:0013621, OMIM 614199.
Pierson syndrome. Also called: MICROCORIA-CONGENITAL NEPHROTIC SYNDROME. Identifiers: Orphanet 2670, MedGen C1836876, MONDO:0012184, OMIM 609049.

Submission:

Juno Genomics, Hangzhou Juno Genomics, Inc
Classification: Likely pathogenic for LAMB2-related infantile-onset nephrotic syndrome; Pierson syndrome. Review status: criteria provided, single submitter. Criteria: ACMG Guidelines, 2015. Collection method: clinical testing. Allele origin: germline.
Comment: Null variant in a gene where loss of function (LOF) is a known mechanism of disease.;Absent from controls (or at extremely low frequency if recessive) in Genome Aggregation Database.

NM_002292.4(LAMB2):c.3057_3058del (p.Ala1020fs)

Gene: LAMB2 (laminin subunit beta 2; minus strand). Cytogenetic location: 3p21.31.
Variant type: Microsatellite.
Coding change: c.3057_3058del on transcript NM_002292.4 (MANE Select); coding-DNA positions 3057 to 3058, 2 bases deleted (TG; older notation c.3057_3058delTG).
Protein change: p.Ala1020fs; shifts the reading frame from alanine 1020.
Molecular consequence: frameshift variant.
Genome position (GRCh38, 1-based): chr3:49,124,752-49,124,753, CA deleted on the plus strand (TG on the coding strand, the reverse complement: LAMB2 is on the minus strand); deleting any 2 consecutive bases within chr3:49,124,752-49,124,755 gives the same sequence; the c. name uses the placement nearest the transcript's 3' end. VCF-style (leftmost placement, unchanged base first): chr3-49124751-GCA-G. GRCh37 (hg19) VCF-style: chr3-49162184-GCA-G.
Other names: short protein forms A1020fs.
Identifiers: ClinVar variation 5006646 (VCV005006646.2).